The following is an entry in ClinVar:

NM_000182.5(HADHA):c.370C>T (p.Gln124Ter)

Gene: HADHA (hydroxyacyl-CoA dehydrogenase trifunctional multienzyme complex subunit alpha; minus strand). Cytogenetic location: 2p23.3.
Variant type: single nucleotide variant.
Coding change: c.370C>T on transcript NM_000182.5 (MANE Select); coding-DNA position 370, C replaced by T.
Protein change: p.Gln124Ter; replaces glutamine 124 with a stop codon.
Molecular consequence: nonsense.
Genome position (GRCh38, 1-based): chr2:26,234,300, G>A on the plus strand (C>T on the coding strand, the complement: HADHA is on the minus strand). VCF-style: chr2-26234300-G-A. GRCh37 (hg19) VCF-style: chr2-26457168-G-A.
Other names: short protein forms Q124*.
Identifiers: ClinVar variation 3899292 (VCV003899292.1).

ClinVar aggregate classification (germline): Likely pathogenic (1 of 4 stars; one submission).

Conditions:
Long chain 3-hydroxyacyl-CoA dehydrogenase deficiency. Also called: Deficiency of long-chain 3-hydroxyacyl-coenzyme A dehydrogenase; LCHAD Deficiency. Identifiers: Orphanet 5, MedGen C3711645, MONDO:0012173, OMIM 609016.
Mitochondrial trifunctional protein deficiency 1 (MTPD1). Identifiers: MedGen CN376812, MONDO:0958181, OMIM 609015.

Submission:

First Genomix Gene Laboratory, Genetic Diagnostics Department
Classification: Likely pathogenic for Long chain 3-hydroxyacyl-CoA dehydrogenase deficiency; Mitochondrial trifunctional protein deficiency 1. Last evaluated: 2025-01-06. Review status: criteria provided, single submitter. Criteria: ACMG Guidelines, 2015. Collection method: clinical testing. Allele origin: germline. Inheritance: Autosomal recessive inheritance. Affected: no. Observed: 1 variant allele.